The following is an entry in ClinVar:

NM_000179.3(MSH6):c.809A>T (p.Lys270Met)

Gene: MSH6 (mutS homolog 6; plus strand). Cytogenetic location: 2p16.3.
Variant type: single nucleotide variant.
Coding change: c.809A>T on transcript NM_000179.3 (MANE Select); coding-DNA position 809, A replaced by T.
Protein change: p.Lys270Met; replaces lysine 270 with methionine.
Molecular consequence: missense variant. On other transcripts: 5 prime UTR variant (2).
Genome position (GRCh38, 1-based): chr2:47,798,792, A>T. VCF-style: chr2-47798792-A-T. GRCh37 (hg19) VCF-style: chr2-48025931-A-T.
Other names: c.419A>T, p.Lys140Met (NM_001281492.2); c.-98A>T (NM_001281493.2, NM_001281494.2); short protein forms K270M, K140M.
Identifiers: ClinVar variation 565566 (VCV000565566.18), dbSNP rs200898010, ClinGen allele CA46706757.
Genomic context (GRCh38, chr2:47,798,792, plus strand): 5'-TCATATCAGATTCTGAGAGTGACATTGGTGGCTCTGATGTGGAATTTAAGCCAGACACTA[A>T]GGAGGAAGGAAGCAGTGATGAAATAAGCAGTGGAGTGGGGGATAGTGAGAGTGAAGGCCT-3'
Protein context (NP_000170.1, residues 260-280): GSDVEFKPDT[Lys270Met]EEGSSDEISS

ClinVar aggregate classification (germline): Uncertain significance. Review status: criteria provided, multiple submitters, no conflicts (2 of 4 stars). 5 submissions from 5 submitters: Uncertain significance (5). Last evaluated 2025-11-11.

Conditions:
Hereditary nonpolyposis colorectal neoplasms. Identifiers: MedGen C0009405, MeSH D003123.
Hereditary cancer-predisposing syndrome. Also called: Hereditary neoplastic syndrome; Neoplastic Syndromes, Hereditary; Tumor predisposition; Hereditary Cancer Syndrome. Identifiers: Orphanet 140162, MedGen C0027672, MeSH D009386, MONDO:0015356.
Lynch syndrome. Identifiers: Orphanet 144, MedGen C4552100, MONDO:0005835. Disease mechanism: loss of function.

Allele frequency attached by ClinVar (database versions not stated): gnomAD 0.00001; TOPMed 0.00001; 1000 Genomes Project 30x 0.00016; 1000 Genomes Project 0.00020.
gnomAD v4.1: 1 of 1,614,186 alleles (0.000062%); highest among the groups gnomAD compares: Non-Finnish European, 0.000085%; no homozygotes.

Submissions (5):

Labcorp Genetics (formerly Invitae), Labcorp
Classification: Uncertain significance for Hereditary nonpolyposis colorectal neoplasms. Last evaluated: 2025-11-11. Review status: criteria provided, single submitter. Criteria: Invitae Variant Classification Sherloc (09022015). Collection method: clinical testing. Allele origin: germline.
Comment: This sequence change replaces lysine, which is basic and polar, with methionine, which is neutral and non-polar, at codon 270 of the MSH6 protein (p.Lys270Met). This variant is not present in population databases (gnomAD no frequency). This variant has not been reported in the literature in individuals affected with MSH6-related conditions. ClinVar contains an entry for this variant (Variation ID: 565566). Invitae Evidence Modeling of protein sequence and biophysical properties (such as structural, functional, and spatial information, amino acid conservation, physicochemical variation, residue mobility, and thermodynamic stability) indicates that this missense variant is not expected to disrupt MSH6 protein function with a negative predictive value of 95%. In summary, the available evidence is currently insufficient to determine the role of this variant in disease. Therefore, it has been classified as a Variant of Uncertain Significance.

Ambry Genetics
Classification: Uncertain significance for Hereditary cancer-predisposing syndrome. Last evaluated: 2025-05-16. Review status: criteria provided, single submitter. Criteria: Ambry Variant Classification Scheme 2023. Collection method: clinical testing. Allele origin: germline.
Comment: The p.K270M variant (also known as c.809A>T), located in coding exon 4 of the MSH6 gene, results from an A to T substitution at nucleotide position 809. The lysine at codon 270 is replaced by methionine, an amino acid with similar properties. This amino acid position is well conserved in available vertebrate species. In addition, the in silico prediction for this alteration is inconclusive. Since supporting evidence is limited at this time, the clinical significance of this alteration remains unclear.

All of Us Research Program, National Institutes of Health
Classification: Uncertain significance for Lynch syndrome. Last evaluated: 2024-03-24. Review status: criteria provided, single submitter. Criteria: ACMG Guidelines, 2015. Collection method: clinical testing. Allele origin: germline. Inheritance: Autosomal dominant inheritance. Observed: 1 variant allele, 1 heterozygote.
Comment: This missense variant replaces lysine with methionine at codon 270 of the MSH6 protein. Computational prediction suggests that this variant may not impact protein structure and function (internally defined REVEL score threshold <= 0.5, PMID: 27666373). To our knowledge, functional studies have not been reported for this variant. This variant has not been reported in individuals affected with MSH6-related disorders in the literature. This variant has not been identified in the general population by the Genome Aggregation Database (gnomAD). The available evidence is insufficient to determine the role of this variant in disease conclusively. Therefore, this variant is classified as a Variant of Uncertain Significance.

This study involves interpretation of variants in research participants for the purpose of population health screening. Participant phenotype was not available at the time of variant classification. Additional details can be found in publication PMID: 35346344, PMCID: PMC8962531

GeneDx
Classification: Uncertain significance. Last evaluated: 2023-05-17. Review status: criteria provided, single submitter. Criteria: GeneDx Variant Classification Process June 2021. Collection method: clinical testing. Allele origin: germline. Affected: yes.
Comment: Not observed at significant frequency in large population cohorts (gnomAD); In silico analysis supports that this missense variant does not alter protein structure/function; Has not been previously published as pathogenic or benign to our knowledge; This variant is associated with the following publications: (PMID: 23621914, 21437237)

Quest Diagnostics Nichols Institute San Juan Capistrano
Classification: Uncertain significance. Last evaluated: 2023-02-10. Review status: criteria provided, single submitter. Criteria: Quest Diagnostics criteria. Collection method: clinical testing. Allele origin: unknown.
Comment: The frequency of this variant in the general population, 0.0000066 (1/152180 chromosomes), is uninformative in assessment of its pathogenicity. The variant has not been reported in an individual with MSH6-related disease in the published literature. Analysis of this variant using bioinformatics tools , and the MSH6-specific CoDP model (PMID: 23621914 (2013)), for the prediction of the effect of amino acid changes on protein structure and function yielded conflicting predictions that this variant is benign or damaging. Based on the available information, we are unable to determine the clinical significance of this variant.

Literature cited by the submitters: PubMed 23621914 (cited by Quest Diagnostics Nichols Institute San Juan Capistrano).